The following is an entry in ClinVar:

ClinVar aggregate classification (germline): Uncertain significance (1 of 4 stars; one submission).

Submission:

Labcorp Genetics (formerly Invitae), Labcorp
Classification: Uncertain significance. Last evaluated: 2025-05-22. Review status: criteria provided, single submitter. Criteria: Invitae Variant Classification Sherloc (09022015). Collection method: clinical testing. Allele origin: germline.
Comment: This sequence change replaces threonine, which is neutral and polar, with serine, which is neutral and polar, at codon 737 of the ALPK3 protein (p.Thr737Ser). This variant is not present in population databases (gnomAD no frequency). This variant has not been reported in the literature in individuals affected with ALPK3-related conditions. Invitae Evidence Modeling of protein sequence and biophysical properties (such as structural, functional, and spatial information, amino acid conservation, physicochemical variation, residue mobility, and thermodynamic stability) indicates that this missense variant is not expected to disrupt ALPK3 protein function with a negative predictive value of 80%. In summary, the available evidence is currently insufficient to determine the role of this variant in disease. Therefore, it has been classified as a Variant of Uncertain Significance.

NM_020778.5(ALPK3):c.1603A>T (p.Thr535Ser)

Genes: ALPK3 (alpha kinase 3; plus strand), LOC111718493 (skeletal muscle cis-regulatory module overlapping ALPK3; plus strand). Cytogenetic location: 15q25.3.
Variant type: single nucleotide variant.
Coding change: c.1603A>T on transcript NM_020778.5 (MANE Select); coding-DNA position 1603, A replaced by T.
Protein change: p.Thr535Ser; replaces threonine 535 with serine.
Molecular consequence: missense variant.
Genome position (GRCh38, 1-based): chr15:84,840,882, A>T. VCF-style: chr15-84840882-A-T. GRCh37 (hg19) VCF-style: chr15-85384113-A-T.
Other names: short protein forms T535S.
Identifiers: ClinVar variation 4746451 (VCV004746451.1).
Genomic context (GRCh38, chr15:84,840,882, plus strand): 5'-AAGGCCCCACCTCAGGCCTCTGTGCAGGTGCCGACGCCCCCTGCCCGGCGGAGACATGGC[A>T]CCCGGGACAGCACGTTGCAGGGGCAAGCAGGCCACAGGACTCCAGGAGAGGTAAGTGTGG-3'
Protein context (NP_065829.4, residues 525-545): PTPPARRRHG[Thr535Ser]RDSTLQGQAG